The following is an entry in ClinVar:

ClinVar aggregate classification (germline): Uncertain significance (1 of 4 stars; one submission).

Conditions:
Idiopathic generalized epilepsy. Also called: Generalised epilepsy; EIG. Identifiers: MedGen C0270850, MONDO:0005579, OMIM 600669.
Hyperaldosteronism, familial, type IV (HALD4). Also called: FH IV; ALDOSTERONISM, PRIMARY, AND HYPERTENSION. Identifiers: Orphanet 642671, MedGen C4310756, MONDO:0014875, OMIM 617027.

Submission:

Labcorp Genetics (formerly Invitae), Labcorp
Classification: Uncertain significance for Idiopathic generalized epilepsy; Hyperaldosteronism, familial, type IV. Last evaluated: 2023-12-15. Review status: criteria provided, single submitter. Criteria: Invitae Variant Classification Sherloc (09022015). Collection method: clinical testing. Allele origin: germline.
Comment: This sequence change replaces alanine, which is neutral and non-polar, with threonine, which is neutral and polar, at codon 1184 of the CACNA1H protein (p.Ala1184Thr). This variant is not present in population databases (gnomAD no frequency). This variant has not been reported in the literature in individuals affected with CACNA1H-related conditions. Advanced modeling of protein sequence and biophysical properties (such as structural, functional, and spatial information, amino acid conservation, physicochemical variation, residue mobility, and thermodynamic stability) performed at Invitae indicates that this missense variant is not expected to disrupt CACNA1H protein function with a negative predictive value of 80%. In summary, the available evidence is currently insufficient to determine the role of this variant in disease. Therefore, it has been classified as a Variant of Uncertain Significance.

NM_021098.3(CACNA1H):c.3550G>A (p.Ala1184Thr)

Gene: CACNA1H (calcium voltage-gated channel subunit alpha1 H; plus strand). Cytogenetic location: 16p13.3.
Variant type: single nucleotide variant.
Coding change: c.3550G>A on transcript NM_021098.3 (MANE Select); coding-DNA position 3550, G replaced by A.
Protein change: p.Ala1184Thr; replaces alanine 1184 with threonine.
Molecular consequence: missense variant.
Genome position (GRCh38, 1-based): chr16:1,209,218, G>A. VCF-style: chr16-1209218-G-A. GRCh37 (hg19) VCF-style: chr16-1259218-G-A.
Other names: c.3550G>A, p.Ala1184Thr (NM_001005407.2); short protein forms A1184T.
Identifiers: ClinVar variation 2921449 (VCV002921449.3), dbSNP rs2548690866, ClinGen allele CA394173951.